The following is an entry in ClinVar:

ClinVar aggregate classification (germline): Uncertain significance. Review status: criteria provided, multiple submitters, no conflicts (2 of 4 stars). 2 submissions from 2 submitters: Uncertain significance (2). Last evaluated 2026-06-12.

Conditions:
Cranium bifidum occultum. Also called: CRANIUM BIFIDUM, HEREDITARY; CATLIN MARKS; Enlarged Parietal Foramina. Identifiers: MedGen C1868598, HP:0004423.

Submissions (2):

Women's Health and Genetics/Laboratory Corporation of America, LabCorp
Classification: Uncertain significance. Last evaluated: 2026-06-12. Review status: criteria provided, single submitter. Criteria: LabCorp Variant Classification Summary - May 2015. Collection method: clinical testing. Allele origin: germline.
Comment: Variant summary: MSX2 c.67G>A (p.Gly23Arg) results in a non-conservative amino acid change in the encoded protein sequence. Algorithms developed to predict the effect of missense changes on protein structure and function are either unavailable or do not agree on the potential impact of this missense change. The variant allele was found at a frequency of 5.5e-05 in 200560 control chromosomes. This frequency is not significantly higher than estimated for disease-causing variants in MSX2, allowing no conclusion about variant significance. To our knowledge, no occurrence of c.67G>A in individuals affected with MSX2-related conditions and no experimental evidence demonstrating its impact on protein function have been reported. ClinVar contains an entry for this variant (Variation ID: 3671545). Based on the evidence outlined above, the variant was classified as uncertain significance.

Labcorp Genetics (formerly Invitae), Labcorp
Classification: Uncertain significance for Cranium bifidum occultum. Last evaluated: 2025-05-08. Review status: criteria provided, single submitter. Criteria: Invitae Variant Classification Sherloc (09022015). Collection method: clinical testing. Allele origin: germline.
Comment: This sequence change replaces glycine, which is neutral and non-polar, with arginine, which is basic and polar, at codon 23 of the MSX2 protein (p.Gly23Arg). The frequency data for this variant in the population databases is considered unreliable, as metrics indicate poor data quality at this position in the gnomAD database. This variant has not been reported in the literature in individuals affected with MSX2-related conditions. ClinVar contains an entry for this variant (Variation ID: 3671545). An algorithm developed to predict the effect of missense changes on protein structure and function (PolyPhen-2) suggests that this variant is likely to be tolerated. In summary, the available evidence is currently insufficient to determine the role of this variant in disease. Therefore, it has been classified as a Variant of Uncertain Significance.

NM_002449.5(MSX2):c.67G>A (p.Gly23Arg)

Gene: MSX2 (msh homeobox 2; plus strand). Cytogenetic location: 5q35.2.
Variant type: single nucleotide variant.
Coding change: c.67G>A on transcript NM_002449.5 (MANE Select); coding-DNA position 67, G replaced by A.
Protein change: p.Gly23Arg; replaces glycine 23 with arginine.
Molecular consequence: missense variant.
Genome position (GRCh38, 1-based): chr5:174,724,726, G>A. VCF-style: chr5-174724726-G-A. GRCh37 (hg19) VCF-style: chr5-174151729-G-A.
Other names: c.67G>A, p.Gly23Arg (NM_001363626.2); short protein forms G23R.
Identifiers: ClinVar variation 3671545 (VCV003671545.3).